The following is an entry in ClinVar:

NM_002693.3(POLG):c.2216A>T (p.Tyr739Phe)

Gene: POLG (DNA polymerase gamma, catalytic subunit; minus strand). Cytogenetic location: 15q26.1.
Variant type: single nucleotide variant.
Coding change: c.2216A>T on transcript NM_002693.3 (MANE Select); coding-DNA position 2216, A replaced by T.
Protein change: p.Tyr739Phe; replaces tyrosine 739 with phenylalanine.
Molecular consequence: missense variant.
Genome position (GRCh38, 1-based): chr15:89,323,453, T>A on the plus strand (A>T on the coding strand, the complement: POLG is on the minus strand). VCF-style: chr15-89323453-T-A. GRCh37 (hg19) VCF-style: chr15-89866684-T-A.
Other names: c.2216A>T, p.Tyr739Phe (NM_001126131.2); short protein forms Y739F.
Identifiers: ClinVar variation 1359219 (VCV001359219.4), dbSNP rs1365039710, ClinGen allele CA393756732.

ClinVar aggregate classification (germline): Uncertain significance (1 of 4 stars; one submission).

Conditions:
Progressive sclerosing poliodystrophy (MTDPS4A). Also called: NEURONAL DEGENERATION OF CHILDHOOD WITH LIVER DISEASE, PROGRESSIVE; Alpers Syndrome; ALPERS DIFFUSE DEGENERATION OF CEREBRAL GRAY MATTER WITH HEPATIC CIRRHOSIS; Alpers-Huttenlocher Syndrome; Mitochondrial DNA depletion syndrome 4A (Alpers type); Mitochondrial DNA Depletion Syndrome 4A. Identifiers: Orphanet 726, MedGen C0205710, MONDO:0008758, OMIM 203700.

Allele frequency attached by ClinVar (database versions not stated): gnomAD exomes below 0.00001; gnomAD 0.00001; TOPMed 0.00001.
gnomAD v4.1: 5 of 1,613,960 alleles (0.00031%); highest among the groups gnomAD compares: Non-Finnish European, 0.00042%; no homozygotes.

Submission:

Labcorp Genetics (formerly Invitae), Labcorp
Classification: Uncertain significance for Progressive sclerosing poliodystrophy. Last evaluated: 2025-07-30. Review status: criteria provided, single submitter. Criteria: Invitae Variant Classification Sherloc (09022015). Collection method: clinical testing. Allele origin: germline.
Comment: This sequence change replaces tyrosine, which is neutral and polar, with phenylalanine, which is neutral and non-polar, at codon 739 of the POLG protein (p.Tyr739Phe). This variant is present in population databases (no rsID available, gnomAD 0.007%). This variant has not been reported in the literature in individuals affected with POLG-related conditions. ClinVar contains an entry for this variant (Variation ID: 1359219). Invitae Evidence Modeling of protein sequence and biophysical properties (such as structural, functional, and spatial information, amino acid conservation, physicochemical variation, residue mobility, and thermodynamic stability) has been performed for this missense variant. However, the output from this modeling did not meet the statistical confidence thresholds required to predict the impact of this variant on POLG protein function. In summary, the available evidence is currently insufficient to determine the role of this variant in disease. Therefore, it has been classified as a Variant of Uncertain Significance.